The following is an entry in ClinVar:

ClinVar aggregate classification (germline): Pathogenic (1 of 4 stars; one submission).

Conditions:
Hereditary cancer-predisposing syndrome. Also called: Hereditary Cancer Syndrome; Hereditary neoplastic syndrome; Neoplastic Syndromes, Hereditary; Tumor predisposition. Identifiers: Orphanet 140162, MedGen C0027672, MeSH D009386, MONDO:0015356.

Submission:

Ambry Genetics
Classification: Pathogenic for Hereditary cancer-predisposing syndrome. Last evaluated: 2025-05-09. Review status: criteria provided, single submitter. Criteria: Ambry Variant Classification Scheme 2023. Collection method: clinical testing. Allele origin: germline.
Comment: The c.2861_2862ins12 pathogenic mutation, located in coding exon 4 of the MSH6 gene, results from an in-frame 12 nucleotide insertion at nucleotide positions 2861 to 2862, causing a translational frameshift with a predicted alternate stop codon (p.Y954*). This variant is considered to be rare based on population cohorts in the Genome Aggregation Database (gnomAD). This alteration is expected to result in loss of function by premature protein truncation or nonsense-mediated mRNA decay. As such, this alteration is interpreted as a disease-causing mutation.

NM_000179.3(MSH6):c.2861_2862insGGCTCTGTTTCT (p.Tyr954Ter)

Gene: MSH6 (mutS homolog 6; plus strand). Cytogenetic location: 2p16.3.
Variant type: Insertion.
Coding change: c.2861_2862insGGCTCTGTTTCT on transcript NM_000179.3 (MANE Select); coding-DNA positions 2861 to 2862, GGCTCTGTTTCT inserted.
Protein change: p.Tyr954Ter; replaces tyrosine 954 with a stop codon.
Molecular consequence: nonsense. On other transcripts: non-coding transcript variant (5), intron variant (2).
Genome position: GRCh38 VCF-style: chr2-47800844-A-AGGCTCTGTTTCT. GRCh37 (hg19) VCF-style: chr2-48027983-A-AGGCTCTGTTTCT.
Other names: c.2564_2565insGGCTCTGTTTCT, p.Tyr855Ter (NM_001406801.1, NM_001406805.1, NM_001406822.1 and 10 more transcripts); c.2957_2958insGGCTCTGTTTCT, p.Tyr986Ter (NM_001406802.1, NM_001406795.1); c.2783_2784insGGCTCTGTTTCT, p.Tyr928Ter (NM_001406804.1); c.2336_2337insGGCTCTGTTTCT, p.Tyr779Ter (NM_001406806.1, NM_001406807.1, NM_001406799.1); c.2861_2862insGGCTCTGTTTCT, p.Tyr954Ter (NM_001406808.1, NM_001406809.1, NM_001406796.1 and 2 more transcripts); c.1955_1956insGGCTCTGTTTCT, p.Tyr652Ter (NM_001406811.1, NM_001406812.1, NM_001406814.1 and 6 more transcripts); c.2867_2868insGGCTCTGTTTCT, p.Tyr956Ter (NM_001406813.1); c.2471_2472insGGCTCTGTTTCT, p.Tyr824Ter (NM_001281492.2); and 4 more; short protein forms Y928*, Y956*, Y269*, Y898*, Y986*, Y652*, Y824*, Y954*.
Identifiers: ClinVar variation 3913743 (VCV003913743.1).